The following is an entry in ClinVar:

ClinVar aggregate classification (germline): Uncertain significance (1 of 4 stars; one submission).

Allele frequency attached by ClinVar (database versions not stated): ExAC 0.00008; gnomAD 0.00008; gnomAD exomes 0.00008 and 0.00010; 1000 Genomes Project 30x 0.00016; 1000 Genomes Project 0.00020.
gnomAD v4.1: 131 of 1,611,142 alleles (0.0081%); highest among the groups gnomAD compares: Middle Eastern, 0.017%; no homozygotes.

Submission:

Labcorp Genetics (formerly Invitae), Labcorp
Classification: Uncertain significance. Last evaluated: 2024-01-22. Review status: criteria provided, single submitter. Criteria: Invitae Variant Classification Sherloc (09022015). Collection method: clinical testing. Allele origin: germline.
Comment: This sequence change replaces proline, which is neutral and non-polar, with leucine, which is neutral and non-polar, at codon 123 of the PALM protein (p.Pro123Leu). This variant is present in population databases (rs568795902, gnomAD 0.07%), and has an allele count higher than expected for a pathogenic variant. This variant has not been reported in the literature in individuals affected with PALM-related conditions. ClinVar contains an entry for this variant (Variation ID: 1373251). Algorithms developed to predict the effect of missense changes on protein structure and function output the following: SIFT: "Not Available"; PolyPhen-2: "Benign"; Align-GVGD: "Not Available". The leucine amino acid residue is found in multiple mammalian species, which suggests that this missense change does not adversely affect protein function. In summary, the available evidence is currently insufficient to determine the role of this variant in disease. Therefore, it has been classified as a Variant of Uncertain Significance.

NM_002579.3(PALM):c.368C>T (p.Pro123Leu)

Gene: PALM (paralemmin; plus strand). Cytogenetic location: 19p13.3.
Variant type: single nucleotide variant.
Coding change: c.368C>T on transcript NM_002579.3 (MANE Select); coding-DNA position 368, C replaced by T.
Protein change: p.Pro123Leu; replaces proline 123 with leucine.
Molecular consequence: missense variant.
Genome position (GRCh38, 1-based): chr19:731,193, C>T. VCF-style: chr19-731193-C-T. GRCh37 (hg19) VCF-style: chr19-731193-C-T.
Other names: c.368C>T, p.Pro123Leu (NM_001040134.2); short protein forms P123L.
Identifiers: ClinVar variation 1373251 (VCV001373251.6), dbSNP rs568795902, ClinGen allele CA9022543.